The following is an entry in ClinVar:

NM_000090.4(COL3A1):c.*354C>T

Gene: COL3A1 (collagen type III alpha 1 chain; plus strand). Cytogenetic location: 2q32.2.
Variant type: single nucleotide variant.
Coding change: c.*354C>T on transcript NM_000090.4 (MANE Select); 354 bases downstream of the stop codon, C replaced by T.
Molecular consequence: 3 prime UTR variant.
Genome position (GRCh38, 1-based): chr2:189,012,128, C>T. VCF-style: chr2-189012128-C-T. GRCh37 (hg19) VCF-style: chr2-189876854-C-T.
Identifiers: ClinVar variation 333079 (VCV000333079.5), dbSNP rs41265555, ClinGen allele CA10613465.

ClinVar aggregate classification (germline): Benign (1 of 4 stars; one submission).

Conditions:
Ehlers-Danlos syndrome, type 4 (EDSVASC). Also called: Ehlers-Danlos Syndrome Type IV; Ehlers-Danlos syndrome vascular type; Ehlers Danlos syndrome, ecchymotic type; Ehlers Danlos syndrome, arterial type; Ehlers Danlos syndrome, Sack-Barabas type. Identifiers: Orphanet 286, MedGen C0268338, MONDO:0017314, OMIM 130050.

Allele frequency attached by ClinVar (database versions not stated): 1000 Genomes Project 0.00180; 1000 Genomes Project 30x 0.00187; TOPMed 0.00482; gnomAD exomes 0.00589.
gnomAD v4.1: 1,243 of 212,524 alleles (0.58%); highest among the groups gnomAD compares: Non-Finnish European, 0.89%; 5 homozygotes.

Submission:

Illumina Laboratory Services, Illumina
Classification: Benign for Ehlers-Danlos syndrome, type 4. Last evaluated: 2018-01-13. Review status: criteria provided, single submitter. Criteria: ICSL Variant Classification Criteria 13 December 2019. Collection method: clinical testing. Allele origin: germline.
Comment: This variant was observed in the ICSL laboratory as part of a predisposition screen in an ostensibly healthy population. It had not been previously curated by ICSL or reported in the Human Gene Mutation Database (HGMD: prior to June 1st, 2018), and was therefore a candidate for classification through an automated scoring system. Utilizing variant allele frequency, disease prevalence and penetrance estimates, and inheritance mode, an automated score was calculated to assess if this variant is too frequent to cause the disease. Based on the score and internal cut-off values, a variant classified as benign is not then subjected to further curation. The score for this variant resulted in a classification of benign for this disease.